The following is an entry in ClinVar:

NM_000372.5(TYR):c.655G>A (p.Glu219Lys)

Gene: TYR (tyrosinase; plus strand). Cytogenetic location: 11q14.3.
Variant type: single nucleotide variant.
Coding change: c.655G>A on transcript NM_000372.5 (MANE Select); coding-DNA position 655, G replaced by A.
Protein change: p.Glu219Lys; replaces glutamic acid 219 with lysine.
Molecular consequence: missense variant.
Genome position (GRCh38, 1-based): chr11:89,178,608, G>A. VCF-style: chr11-89178608-G-A. GRCh37 (hg19) VCF-style: chr11-88911776-G-A.
Other names: short protein forms E219K.
Identifiers: ClinVar variation 449543 (VCV000449543.10), dbSNP rs747995722, ClinGen allele CA382035062.
Genomic context (GRCh38, chr11:89,178,608, plus strand): 5'-GATTTTGCCCATGAAGCACCAGCTTTTCTGCCTTGGCATAGACTCTTCTTGTTGCGGTGG[G>A]AACAAGAAATCCAGAAGCTGACAGGAGATGAAAACTTCACTATTCCATATTGGGACTGGC-3'
Protein context (NP_000363.1, residues 209-229): PWHRLFLLRW[Glu219Lys]QEIQKLTGDE

ClinVar aggregate classification (germline): Pathogenic. Review status: criteria provided, multiple submitters, no conflicts (2 of 4 stars). 6 submissions from 6 submitters: Pathogenic (6). Last evaluated 2026-03-26.

Conditions:
SKIN/HAIR/EYE PIGMENTATION 3, LIGHT/DARK SKIN (SHEP3). Also called: EYE COLOR 1; EYE COLOR, GREEN/BLUE; SKIN/HAIR/EYE PIGMENTATION, VARIATION IN, 3; SKIN/HAIR/EYE PIGMENTATION 3, BLUE/GREEN EYE COLOR; SKIN/HAIR/EYE PIGMENTATION 3, FRECKLING. Identifiers: MedGen C2677190, OMIM 601800.
Oculocutaneous albinism type 1A (OCA1A). Also called: Albinism, oculocutaneous, type IA. Identifiers: Orphanet 352731, Orphanet 79431, MedGen C4551504, MONDO:0008745, OMIM 203100. Disease mechanism: loss of function.
Oculocutaneous albinism type 1B (OCA1B). Also called: ALBINISM, YELLOW MUTANT TYPE; YELLOW ALBINISM; ALBINISM, OCULOCUTANEOUS, TYPE IB. Identifiers: Orphanet 352731, Orphanet 352737, Orphanet 79434, MedGen C1847024, MONDO:0011749, OMIM 606952.
Oculocutaneous albinism. Identifiers: Orphanet 55, MedGen C0078918, MONDO:0018910.
Oculocutaneous albinism type 1. Also called: Albinism 1; ALBINISM I. Identifiers: Orphanet 352731, MedGen C0268494, MONDO:0018135. Disease mechanism: loss of function.

Submissions (6):

Women's Health and Genetics/Laboratory Corporation of America, LabCorp
Classification: Pathogenic for Oculocutaneous albinism. Last evaluated: 2026-03-26. Review status: criteria provided, single submitter. Criteria: LabCorp Variant Classification Summary - May 2015. Collection method: clinical testing. Allele origin: germline.
Comment: Variant summary: TYR c.655G>A (p.Glu219Lys) results in a conservative amino acid change in the encoded protein sequence. Algorithms developed to predict the effect of missense changes on protein structure and function are either unavailable or do not agree on the potential impact of this missense change. The variant was absent in 250706 control chromosomes (gnomAD). c.655G>A has been observed in multiple individuals affected with Oculocutaneous Albinism (Chaki_2006, Wei_2021). These data indicate that the variant is very likely to be associated with disease. At least one publication reports experimental evidence evaluating an impact on protein function and this variant showed complete lack of enzyme activity (Chaki_2011). The following publications have been ascertained in the context of this evaluation (PMID: 16907708, 20861851, 34838614). ClinVar contains an entry for this variant (Variation ID: 449543). Based on the evidence outlined above, the variant was classified as pathogenic.

Myriad Genetics, Inc.
Classification: Pathogenic for Oculocutaneous albinism type 1. Last evaluated: 2026-02-25. Review status: criteria provided, single submitter. Criteria: Myriad Autosomal Dominant, Autosomal Recessive and X-Linked Classification Criteria (2023). Collection method: clinical testing. Allele origin: unknown.
Comment: NM_000372.4(TYR):c.655G>A(E219K) is a missense variant classified as pathogenic in the context of oculocutaneous albinism, TYR-related. E219K has been observed in cases with relevant disease (PMID: 34838614). Relevant functional assessments of this variant are available in the literature (PMID: 20861851). E219K has not been observed in referenced population frequency databases. In summary, NM_000372.4(TYR):c.655G>A(E219K) is a missense variant that has been observed more frequently in cases with the relevant disease than in healthy populations. Please note: this variant was assessed in the context of healthy population screening.

Baylor Genetics
Classification: Pathogenic for SKIN/HAIR/EYE PIGMENTATION 3, LIGHT/DARK SKIN. Last evaluated: 2023-09-25. Review status: criteria provided, single submitter. Criteria: ACMG Guidelines, 2015. Collection method: clinical testing. Allele origin: unknown.

Genome-Nilou Lab
Classification: Pathogenic for Oculocutaneous albinism type 1A. Last evaluated: 2021-07-22. Review status: criteria provided, single submitter. Criteria: ACMG Guidelines, 2015. Collection method: clinical testing. Allele origin: germline. Affected: no.

GeneDx
Classification: Pathogenic. Last evaluated: 2017-10-31. Review status: criteria provided, single submitter. Criteria: GeneDx Variant Classification (06012015). Collection method: clinical testing. Allele origin: germline. Affected: yes.
Comment: The E219K variant in the TYR gene has been reported previously in association with oculocutaneous albinism, in affected individuals who were compound heterozygous for the E219K variant and another variant (Wei et al., 2015). The E219K variant is not observed in large population cohorts (Lek et al., 2016). The E219K variant is a non-conservative amino acid substitution, which is likely to impact secondary protein structure as these residues differ in polarity, charge, size and/or other properties. This substitution occurs at a position that is conserved across species. Functional study showed that E219K did not have enzymatic activities (Chaki et al., 2011). Missense variants in nearby residues (L216M, R217W, R217G, R217Q, W218R, E221K, I222T) have been reported in the Human Gene Mutation Database in association with oculocutaneous albinism (Stenson et al., 2014), supporting the functional importance of this region of the protein. We interpret E219K as a pathogenic variant.

Juno Genomics, Hangzhou Juno Genomics, Inc
Classification: Pathogenic for Oculocutaneous albinism type 1A; Oculocutaneous albinism type 1B; SKIN/HAIR/EYE PIGMENTATION 3, LIGHT/DARK SKIN. Review status: criteria provided, single submitter. Criteria: ACMG Guidelines, 2015. Collection method: clinical testing. Allele origin: germline. Affected: yes.
Comment: Multiple lines of computational evidence support a deleterious effect on the gene or gene product (conservation, evolutionary, splicing impact, etc).;Absent from controls (or at extremely low frequency if recessive) in Genome Aggregation Database, Exome Sequencing Project, 1000 Genomes Project, or Exome Aggregation Consortium.;For recessive disorders, detected in trans with a pathogenic variant.;Patient's phenotype or family history is highly specific for a disease with a single genetic etiology.

Literature cited by the submitters: PubMed 16907708 (cited by Women's Health and Genetics/Laboratory Corporation of America, LabCorp); PubMed 34838614 (cited by Women's Health and Genetics/Laboratory Corporation of America, LabCorp and Myriad Genetics, Inc.); PubMed 20861851 (cited by Women's Health and Genetics/Laboratory Corporation of America, LabCorp and Myriad Genetics, Inc.).